The following is an entry in ClinVar:

ClinVar aggregate classification (germline): Uncertain significance (1 of 4 stars; one submission).

Conditions:
2-aminoadipic 2-oxoadipic aciduria (AAKAD). Also called: Aminoadipic aciduria; ALPHA-AMINOADIPIC AND ALPHA-KETOADIPIC ACIDURIA. Identifiers: Orphanet 79154, MedGen C1859817, MONDO:0008774, OMIM 204750.

Allele frequency attached by ClinVar (database versions not stated): gnomAD exomes below 0.00001.
gnomAD v4.1: 1 of 1,611,288 alleles (0.000062%); highest among the groups gnomAD compares: Non-Finnish European, 0.000085%; no homozygotes.

Submission:

Labcorp Genetics (formerly Invitae), Labcorp
Classification: Uncertain significance for 2-aminoadipic 2-oxoadipic aciduria. Last evaluated: 2022-05-19. Review status: criteria provided, single submitter. Criteria: Invitae Variant Classification Sherloc (09022015). Collection method: clinical testing. Allele origin: germline.
Comment: This variant is not present in population databases (gnomAD no frequency). This sequence change replaces valine, which is neutral and non-polar, with leucine, which is neutral and non-polar, at codon 187 of the DHTKD1 protein (p.Val187Leu). This variant has not been reported in the literature in individuals affected with DHTKD1-related conditions. Algorithms developed to predict the effect of missense changes on protein structure and function (SIFT, PolyPhen-2, Align-GVGD) all suggest that this variant is likely to be tolerated. In summary, the available evidence is currently insufficient to determine the role of this variant in disease. Therefore, it has been classified as a Variant of Uncertain Significance.

NM_018706.7(DHTKD1):c.559G>C (p.Val187Leu)

Gene: DHTKD1 (dehydrogenase E1 and transketolase domain containing 1; plus strand). Cytogenetic location: 10p14.
Variant type: single nucleotide variant.
Coding change: c.559G>C on transcript NM_018706.7 (MANE Select); coding-DNA position 559, G replaced by C.
Protein change: p.Val187Leu; replaces valine 187 with leucine.
Molecular consequence: missense variant.
Genome position (GRCh38, 1-based): chr10:12,087,571, G>C. VCF-style: chr10-12087571-G-C. GRCh37 (hg19) VCF-style: chr10-12129570-G-C.
Other names: short protein forms V187L.
Identifiers: ClinVar variation 1996390 (VCV001996390.4), dbSNP rs2491474959, ClinGen allele CA376017667.
Genomic context (GRCh38, chr10:12,087,571, plus strand): 5'-CACGTCTGACATGATGTTCTGCAGGAGTTTGACCACTTTCTGGCCACCAAGTTCTCGACA[G>C]TGAAGCGATATGGAGGCGAAGGGGCTGAAAGCATGATGGGCTTTTTCCACGAGCTGCTGA-3'
Protein context (NP_061176.4, residues 177-197): DHFLATKFST[Val187Leu]KRYGGEGAES